The following is an entry in ClinVar:

NC_000005.9:g.(?_155756587)_(156074566_?)del

Gene: SGCD (sarcoglycan delta; plus strand). Cytogenetic location: 5q33.3.
Variant type: Deletion.
Identifiers: ClinVar variation 2422918 (VCV002422918.6).

ClinVar aggregate classification (germline): Pathogenic (1 of 4 stars; one submission).

Conditions:
Autosomal recessive limb-girdle muscular dystrophy type 2F (LGMDR6). Also called: Muscular dystrophy limb-girdle with delta-sarcoglyan deficiency; MUSCULAR DYSTROPHY, LIMB-GIRDLE, AUTOSOMAL RECESSIVE 6. Identifiers: Orphanet 219, MedGen C1832525, MONDO:0011028, OMIM 601287. Disease mechanism: Affects gamma-sarcoglycan and also disrupts the integrity of the entire sarcoglycan complex..

Submission:

Labcorp Genetics (formerly Invitae), Labcorp
Classification: Pathogenic for Autosomal recessive limb-girdle muscular dystrophy type 2F. Last evaluated: 2022-03-28. Review status: criteria provided, single submitter. Criteria: Invitae Variant Classification Sherloc (09022015). Collection method: clinical testing. Allele origin: germline.
Comment: For these reasons, this variant has been classified as Pathogenic. This variant has not been reported in the literature in individuals affected with SGCD-related conditions. This variant is a gross deletion of the genomic region encompassing exon(s) 2-7 of the SGCD gene, which includes the initiator codon. This deletion extends beyond the assayed region for this gene and therefore may encompass additional genes. It is expected to result in an absent or disrupted protein product. Loss-of-function variants in SGCD are known to be pathogenic (PMID: 8841194, 10735275, 10838250).

Literature cited by the submitters: PubMed 8841194; PubMed 10735275; PubMed 10838250.